The following is an entry in ClinVar:

ClinVar aggregate classification (germline): Likely benign. Review status: criteria provided, multiple submitters, no conflicts (2 of 4 stars). 2 submissions from 2 submitters: Likely benign (2). Last evaluated 2024-09-03.

Conditions:
HYPERHOMOCYSTEINEMIA, THROMBOTIC, CBS-RELATED. Identifiers: MedGen C3150344, OMIM 236200.

Submissions (2):

Labcorp Genetics (formerly Invitae), Labcorp
Classification: Likely benign for HYPERHOMOCYSTEINEMIA, THROMBOTIC, CBS-RELATED. Last evaluated: 2024-09-03. Review status: criteria provided, single submitter. Criteria: Invitae Variant Classification Sherloc (09022015). Collection method: clinical testing. Allele origin: germline.

GeneDx
Classification: Likely benign. Last evaluated: 2016-06-16. Review status: criteria provided, single submitter. Criteria: GeneDx Variant Classification (06012015). Collection method: clinical testing. Allele origin: germline. Affected: yes.
Comment: This variant is considered likely benign or benign based on one or more of the following criteria: it is a conservative change, it occurs at a poorly conserved position in the protein, it is predicted to be benign by multiple in silico algorithms, and/or has population frequency not consistent with disease.

NM_000071.3(CBS):c.1553-16C>T

Gene: CBS (cystathionine beta-synthase; minus strand). Cytogenetic location: 21q22.3.
Variant type: single nucleotide variant.
Coding change: c.1553-16C>T on transcript NM_000071.3 (MANE Select); 16 bases into the intron before coding-DNA position 1553, C replaced by T.
Molecular consequence: intron variant.
Genome position (GRCh38, 1-based): chr21:43,053,999, G>A on the plus strand (C>T on the coding strand, the complement: CBS is on the minus strand). VCF-style: chr21-43053999-G-A. GRCh37 (hg19) VCF-style: chr21-44474109-G-A.
Other names: c.1238-16C>T (NM_001321072.1); c.1553-16C>T (NM_001320298.2, NM_001178009.3, NM_001178008.3).
Identifiers: ClinVar variation 387032 (VCV000387032.7), dbSNP rs1057522673, ClinGen allele CA16608076.